The following is an entry in ClinVar:

ClinVar aggregate classification (germline): Uncertain significance (1 of 4 stars; one submission).

Conditions:
Chédiak-Higashi syndrome (CHS). Also called: Chediak-Higashi Syndrome. Identifiers: Orphanet 167, MedGen C0007965, MONDO:0008963, OMIM 214500.

Allele frequency attached by ClinVar (database versions not stated): gnomAD 0.00001.

Submission:

Labcorp Genetics (formerly Invitae), Labcorp
Classification: Uncertain significance for Chédiak-Higashi syndrome. Last evaluated: 2025-03-31. Review status: criteria provided, single submitter. Criteria: Invitae Variant Classification Sherloc (09022015). Collection method: clinical testing. Allele origin: germline.
Comment: This sequence change replaces glycine, which is neutral and non-polar, with arginine, which is basic and polar, at codon 1979 of the LYST protein (p.Gly1979Arg). This variant is not present in population databases (gnomAD no frequency). This variant has not been reported in the literature in individuals affected with LYST-related conditions. ClinVar contains an entry for this variant (Variation ID: 1474328). Invitae Evidence Modeling of protein sequence and biophysical properties (such as structural, functional, and spatial information, amino acid conservation, physicochemical variation, residue mobility, and thermodynamic stability) indicates that this missense variant is not expected to disrupt LYST protein function with a negative predictive value of 80%. In summary, the available evidence is currently insufficient to determine the role of this variant in disease. Therefore, it has been classified as a Variant of Uncertain Significance.

NM_000081.4(LYST):c.5935G>A (p.Gly1979Arg)

Gene: LYST (lysosomal trafficking regulator; minus strand). Cytogenetic location: 1q42.3.
Variant type: single nucleotide variant.
Coding change: c.5935G>A on transcript NM_000081.4 (MANE Select); coding-DNA position 5935, G replaced by A.
Protein change: p.Gly1979Arg; replaces glycine 1979 with arginine.
Molecular consequence: missense variant.
Genome position (GRCh38, 1-based): chr1:235,766,265, C>T on the plus strand (G>A on the coding strand, the complement: LYST is on the minus strand). VCF-style: chr1-235766265-C-T. GRCh37 (hg19) VCF-style: chr1-235929565-C-T.
Other names: c.5935G>A, p.Gly1979Arg (NM_001301365.1); short protein forms G1979R.
Identifiers: ClinVar variation 1474328 (VCV001474328.6), dbSNP rs1193697588, ClinGen allele CA344948212.